The following is an entry in ClinVar:

NM_198904.4(GABRG2):c.631+5_631+8del

Gene: GABRG2 (gamma-aminobutyric acid type A receptor subunit gamma2; plus strand). Cytogenetic location: 5q34.
Variant type: Microsatellite.
Coding change: c.631+5_631+8del on transcript NM_198904.4 (MANE Select); bases 5 to 8 of the intron after coding-DNA position 631, 4 bases deleted (GTAA; older notation c.631+5_631+8delGTAA).
Molecular consequence: splice donor variant.
Genome position (GRCh38, 1-based): chr5:162,101,322-162,101,325, GTAA deleted; deleting any 4 consecutive bases within chr5:162,101,318-162,101,325 gives the same sequence; the c. name uses the placement nearest the transcript's 3' end. VCF-style (leftmost placement, unchanged base first): chr5-162101317-TGTAA-T. GRCh37 (hg19) VCF-style: chr5-161528323-TGTAA-T.
Other names: c.346+5_346+8del (NM_001375349.1); c.631+5_631+8del (NM_001375343.1, NM_001375344.1, NM_001375340.1 and 4 more transcripts); c.211+5_211+8del (NM_001375350.1, NM_001375348.1); c.622+5_622+8del (NM_001375339.1); c.565+5_565+8del (NM_001375346.1, NM_001375345.1); c.544+5_544+8del (NM_001375347.1).
Identifiers: ClinVar variation 2943839 (VCV002943839.3), dbSNP rs2532582061, ClinGen allele CA2740094169.

ClinVar aggregate classification (germline): Uncertain significance (1 of 4 stars; one submission).

Conditions:
EPILEPSY, CHILDHOOD ABSENCE, SUSCEPTIBILITY TO, 2 (ECA2). Identifiers: Orphanet 64280, MedGen C1843244, OMIM 607681.
Febrile seizures, familial, 8 (FEB8). Also called: CONVULSIONS, FAMILIAL FEBRILE, 8. Identifiers: Orphanet 36387, MedGen C1969810, MONDO:0011891, OMIM 607681.

Submission:

Labcorp Genetics (formerly Invitae), Labcorp
Classification: Uncertain significance for Febrile seizures, familial, 8; EPILEPSY, CHILDHOOD ABSENCE, SUSCEPTIBILITY TO, 2. Last evaluated: 2024-06-15. Review status: criteria provided, single submitter. Criteria: Invitae Variant Classification Sherloc (09022015). Collection method: clinical testing. Allele origin: germline.
Comment: This sequence change falls in intron 5 of the GABRG2 gene. It does not directly change the encoded amino acid sequence of the GABRG2 protein. It affects a nucleotide within the consensus splice site. This variant is not present in population databases (gnomAD no frequency). This variant has not been reported in the literature in individuals affected with GABRG2-related conditions. Variants that disrupt the consensus splice site are a relatively common cause of aberrant splicing (PMID: 17576681, 9536098). Algorithms developed to predict the effect of sequence changes on RNA splicing suggest that this variant may disrupt the consensus splice site. In summary, the available evidence is currently insufficient to determine the role of this variant in disease. Therefore, it has been classified as a Variant of Uncertain Significance.

Literature cited by the submitters: PubMed 17576681; PubMed 9536098.